The following is an entry in ClinVar:

NM_018082.6(POLR3B):c.2817G>A (p.Thr939=)

Gene: POLR3B (RNA polymerase III subunit B; plus strand). Cytogenetic location: 12q23.3.
Variant type: single nucleotide variant.
Coding change: c.2817G>A on transcript NM_018082.6 (MANE Select); coding-DNA position 2817, G replaced by A.
Protein change: p.Thr939=; no amino-acid change (threonine 939 retained).
Molecular consequence: synonymous variant.
Genome position (GRCh38, 1-based): chr12:106,496,158, G>A. VCF-style: chr12-106496158-G-A. GRCh37 (hg19) VCF-style: chr12-106889936-G-A.
Other names: c.2643G>A, p.Thr881= (NM_001160708.2).
Identifiers: ClinVar variation 2165624 (VCV002165624.4), dbSNP rs1018388588, ClinGen allele CA243217097.

ClinVar aggregate classification (germline): Uncertain significance (1 of 4 stars; one submission).

Allele frequency attached by ClinVar (database versions not stated): TOPMed below 0.00001.
gnomAD v4.1: 4 of 1,570,848 alleles (0.00025%); highest among the groups gnomAD compares: Admixed American, 0.0017%; no homozygotes.

Submission:

Labcorp Genetics (formerly Invitae), Labcorp
Classification: Uncertain significance. Last evaluated: 2023-10-10. Review status: criteria provided, single submitter. Criteria: Invitae Variant Classification Sherloc (09022015). Collection method: clinical testing. Allele origin: germline.
Comment: This sequence change affects codon 939 of the POLR3B mRNA. It is a 'silent' change, meaning that it does not change the encoded amino acid sequence of the POLR3B protein. This variant also falls at the last nucleotide of exon 24, which is part of the consensus splice site for this exon. This variant is present in population databases (no rsID available, gnomAD 0.003%). This variant has not been reported in the literature in individuals affected with POLR3B-related conditions. ClinVar contains an entry for this variant (Variation ID: 2165624). Variants that disrupt the consensus splice site are a relatively common cause of aberrant splicing (PMID: 17576681, 9536098). Algorithms developed to predict the effect of sequence changes on RNA splicing suggest that this variant may disrupt the consensus splice site. In summary, the available evidence is currently insufficient to determine the role of this variant in disease. Therefore, it has been classified as a Variant of Uncertain Significance.

Literature cited by the submitters: PubMed 17576681; PubMed 9536098.